The following is an entry in ClinVar:

NM_002641.4(PIGA):c.-63+13C>T

Gene: PIGA (phosphatidylinositol glycan anchor biosynthesis class A; minus strand). Cytogenetic location: Xp22.2.
Variant type: single nucleotide variant.
Coding change: c.-63+13C>T on transcript NM_002641.4 (MANE Select); 13 bases into the intron after 63 bases upstream of the start codon, C replaced by T.
Molecular consequence: intron variant.
Genome position (GRCh38, 1-based): chrX:15,335,488, G>A on the plus strand (C>T on the coding strand, the complement: PIGA is on the minus strand). VCF-style: chrX-15335488-G-A. GRCh37 (hg19) VCF-style: chrX-15353610-G-A.
Other names: c.13+13C>T (NM_020473.3).
Identifiers: ClinVar variation 382688 (VCV000382688.4), dbSNP rs185874005, ClinGen allele CA10354207.

ClinVar aggregate classification (germline): Benign/Likely benign. Review status: criteria provided, multiple submitters, no conflicts (2 of 4 stars). 4 submissions from 4 submitters: Benign (2); Likely benign (2). Last evaluated 2024-11-06.

Allele frequency attached by ClinVar (database versions not stated): gnomAD exomes 0.00077; TOPMed 0.00663; 1000 Genomes Project 0.00715; 1000 Genomes Project 30x 0.00728; ExAC 0.00748.

Submissions (4):

Blueprint Genetics
Classification: Likely benign. Last evaluated: 2024-11-06. Review status: criteria provided, single submitter. Criteria: ACMG Guidelines, 2015. Collection method: clinical testing. Allele origin: germline.

ARUP Laboratories, Molecular Genetics and Genomics, ARUP Laboratories
Classification: Likely benign. Last evaluated: 2024-10-11. Review status: criteria provided, single submitter. Criteria: ARUP Molecular Germline Variant Investigation Process 2024. Collection method: clinical testing. Allele origin: germline.

Center for Pediatric Genomic Medicine, Children's Mercy Hospital and Clinics
Classification: Benign. Last evaluated: 2017-05-04. Review status: criteria provided, single submitter. Criteria: ACMG Guidelines, 2015. Collection method: clinical testing. Allele origin: germline.

GeneDx
Classification: Benign. Last evaluated: 2016-03-01. Review status: criteria provided, single submitter. Criteria: GeneDx Variant Classification (06012015). Collection method: clinical testing. Allele origin: germline. Affected: yes.
Comment: This variant is considered likely benign or benign based on one or more of the following criteria: it is a conservative change, it occurs at a poorly conserved position in the protein, it is predicted to be benign by multiple in silico algorithms, and/or has population frequency not consistent with disease.